The following is an entry in ClinVar:

ClinVar aggregate classification (germline): Uncertain significance (1 of 4 stars; one submission).

gnomAD v4.1: 1 of 1,526,356 alleles (0.000066%); highest among the groups gnomAD compares: Non-Finnish European, 0.000087%; no homozygotes.

Submission:

GeneDx
Classification: Uncertain significance. Last evaluated: 2024-11-22. Review status: criteria provided, single submitter. Criteria: GeneDx Variant Classification Process June 2021. Collection method: clinical testing. Allele origin: germline. Affected: yes.
Comment: Not observed at significant frequency in large population cohorts (gnomAD); In silico analysis supports that this missense variant has a deleterious effect on protein structure/function; Has not been previously published as pathogenic or benign to our knowledge

NM_001010867.4(IBA57):c.176T>G (p.Leu59Arg)

Gene: IBA57 (iron-sulfur cluster assembly factor IBA57; plus strand). Cytogenetic location: 1q42.13.
Variant type: single nucleotide variant.
Coding change: c.176T>G on transcript NM_001010867.4 (MANE Select); coding-DNA position 176, T replaced by G.
Protein change: p.Leu59Arg; replaces leucine 59 with arginine.
Molecular consequence: missense variant.
Genome position (GRCh38, 1-based): chr1:228,165,992, T>G. VCF-style: chr1-228165992-T-G. GRCh37 (hg19) VCF-style: chr1-228353693-T-G.
Other names: short protein forms L59R.
Identifiers: ClinVar variation 3900476 (VCV003900476.1).